The following is an entry in ClinVar:

NM_025099.6(CTC1):c.3273C>A (p.His1091Gln)

Gene: CTC1 (CST telomere replication complex component 1; minus strand). Cytogenetic location: 17p13.1.
Variant type: single nucleotide variant.
Coding change: c.3273C>A on transcript NM_025099.6 (MANE Select); coding-DNA position 3273, C replaced by A.
Protein change: p.His1091Gln; replaces histidine 1091 with glutamine.
Molecular consequence: missense variant. On other transcripts: non-coding transcript variant (1).
Genome position (GRCh38, 1-based): chr17:8,228,841, G>T on the plus strand (C>A on the coding strand, the complement: CTC1 is on the minus strand). VCF-style: chr17-8228841-G-T. GRCh37 (hg19) VCF-style: chr17-8132159-G-T.
Other names: short protein forms H1091Q.
Identifiers: ClinVar variation 1351881 (VCV001351881.6), dbSNP rs564631876, ClinGen allele CA397969336.

ClinVar aggregate classification (germline): Uncertain significance (1 of 4 stars; one submission).

Conditions:
Dyskeratosis congenita. Identifiers: Orphanet 1775, MedGen C0265965, MONDO:0015780.

Allele frequency attached by ClinVar (database versions not stated): gnomAD 0.00001; TOPMed 0.00001.
gnomAD v4.1: 15 of 1,614,028 alleles (0.00093%); highest among the groups gnomAD compares: Non-Finnish European, 0.0013%; no homozygotes.

Submission:

Labcorp Genetics (formerly Invitae), Labcorp
Classification: Uncertain significance for Dyskeratosis congenita. Last evaluated: 2021-09-17. Review status: criteria provided, single submitter. Criteria: Invitae Variant Classification Sherloc (09022015). Collection method: clinical testing. Allele origin: germline.
Comment: In summary, the available evidence is currently insufficient to determine the role of this variant in disease. Therefore, it has been classified as a Variant of Uncertain Significance. Algorithms developed to predict the effect of missense changes on protein structure and function output the following: SIFT: "Tolerated"; PolyPhen-2: "Benign"; Align-GVGD: "Class C0". The glutamine amino acid residue is found in multiple mammalian species, which suggests that this missense change does not adversely affect protein function. This variant has not been reported in the literature in individuals affected with CTC1-related conditions. This variant is not present in population databases (ExAC no frequency). This sequence change replaces histidine with glutamine at codon 1091 of the CTC1 protein (p.His1091Gln). The histidine residue is highly conserved and there is a small physicochemical difference between histidine and glutamine.